The following is an entry in ClinVar:

ClinVar aggregate classification (germline): Uncertain significance (1 of 4 stars; one submission).

Conditions:
Multiple endocrine neoplasia, type 2 (MEN2). Identifiers: Orphanet 653, MedGen C4048306, MONDO:0019003. Disease mechanism: gain of function.

Allele frequency attached by ClinVar (database versions not stated): gnomAD exomes below 0.00001.
gnomAD v4.1: 1 of 1,562,186 alleles (0.000064%); highest among the groups gnomAD compares: Non-Finnish European, 0.000087%; no homozygotes.

Submission:

Labcorp Genetics (formerly Invitae), Labcorp
Classification: Uncertain significance for Multiple endocrine neoplasia, type 2. Last evaluated: 2023-06-02. Review status: criteria provided, single submitter. Criteria: Invitae Variant Classification Sherloc (09022015). Collection method: clinical testing. Allele origin: germline.
Comment: This variant is not present in population databases (gnomAD no frequency). This variant has not been reported in the literature in individuals affected with RET-related conditions. An algorithm developed to predict the effect of missense changes on protein structure and function (PolyPhen-2) suggests that this variant is likely to be disruptive. This sequence change replaces glycine, which is neutral and non-polar, with aspartic acid, which is acidic and polar, at codon 539 of the RET protein (p.Gly539Asp). In summary, the available evidence is currently insufficient to determine the role of this variant in disease. Therefore, it has been classified as a Variant of Uncertain Significance.

NM_020975.6(RET):c.1616G>A (p.Gly539Asp)

Gene: RET (ret proto-oncogene; plus strand). Cytogenetic location: 10q11.21.
Variant type: single nucleotide variant.
Coding change: c.1616G>A on transcript NM_020975.6 (MANE Select); coding-DNA position 1616, G replaced by A.
Protein change: p.Gly539Asp; replaces glycine 539 with aspartic acid.
Molecular consequence: missense variant.
Genome position (GRCh38, 1-based): chr10:43,112,192, G>A. VCF-style: chr10-43112192-G-A. GRCh37 (hg19) VCF-style: chr10-43607640-G-A.
Other names: c.719G>A, p.Gly240Asp (NM_001406782.1, NM_001406785.1, NM_001406787.1 and 3 more transcripts); c.590G>A, p.Gly197Asp (NM_001406783.1, NM_001406786.1); c.626G>A, p.Gly209Asp (NM_001406784.1); c.431G>A, p.Gly144Asp (NM_001406788.1, NM_001406789.1, NM_001406790.1 and 1 more transcripts); c.167G>A, p.Gly56Asp (NM_001406792.1, NM_001406793.1, NM_001406794.1); c.1616G>A, p.Gly539Asp (NM_020629.2, NM_020630.7, NM_001406763.1 and 6 more transcripts); c.1487G>A, p.Gly496Asp (NM_001406764.1, NM_001406768.1, NM_001406761.1 and 1 more transcripts); c.1328G>A, p.Gly443Asp (NM_001406766.1, NM_001406767.1, NM_001406770.1); and 5 more; short protein forms G393D, G496D, G144D, G197D, G240D, G285D, G364D, G297D.
Identifiers: ClinVar variation 2756396 (VCV002756396.3), dbSNP rs2132800900, ClinGen allele CA376550730.